The following is an entry in ClinVar:

ClinVar aggregate classification (germline): Conflicting classifications of pathogenicity. Review status: criteria provided, conflicting classifications (1 of 4 stars). 4 submissions from 4 submitters: Uncertain significance (3); Likely benign (1). Last evaluated 2026-04-01.

Conditions:
Inborn genetic diseases. Identifiers: MedGen C0950123, MeSH D030342.

Allele frequency attached by ClinVar (database versions not stated): ExAC 0.00001; gnomAD exomes 0.00002 and 0.00003; TOPMed 0.00008; gnomAD 0.00009.
gnomAD v4.1: 49 of 1,611,298 alleles (0.003%); highest among the groups gnomAD compares: African/African-American, 0.026%; no homozygotes.

Submissions (4):

CeGaT Center for Human Genetics Tuebingen
Classification: Uncertain significance. Last evaluated: 2026-04-01. Review status: criteria provided, single submitter. Criteria: CeGaT Center For Human Genetics Tuebingen Variant Classification Criteria Version 2. Collection method: clinical testing. Allele origin: germline. Affected: yes. Observed: 1 variant allele.

Labcorp Genetics (formerly Invitae), Labcorp
Classification: Likely benign. Last evaluated: 2024-12-30. Review status: criteria provided, single submitter. Criteria: Invitae Variant Classification Sherloc (09022015). Collection method: clinical testing. Allele origin: germline.

Ambry Genetics
Classification: Uncertain significance for Inborn genetic diseases. Last evaluated: 2023-08-19. Review status: criteria provided, single submitter. Criteria: Ambry Variant Classification Scheme 2023. Collection method: clinical testing. Allele origin: germline.

GeneDx
Classification: Uncertain significance. Last evaluated: 2021-01-08. Review status: criteria provided, single submitter. Criteria: GeneDx Variant Classification Process June 2021. Collection method: clinical testing. Allele origin: germline. Affected: yes.
Comment: In silico analysis supports that this missense variant does not alter protein structure/function; Has not been previously published as pathogenic or benign to our knowledge

NM_001457.4(FLNB):c.3673G>A (p.Ala1225Thr)

Gene: FLNB (filamin B; plus strand). Cytogenetic location: 3p14.3.
Variant type: single nucleotide variant.
Coding change: c.3673G>A on transcript NM_001457.4 (MANE Select); coding-DNA position 3673, G replaced by A.
Protein change: p.Ala1225Thr; replaces alanine 1225 with threonine.
Molecular consequence: missense variant.
Genome position (GRCh38, 1-based): chr3:58,123,639, G>A. VCF-style: chr3-58123639-G-A. GRCh37 (hg19) VCF-style: chr3-58109366-G-A.
Other names: c.3673G>A, p.Ala1225Thr (NM_001164317.2, NM_001164318.2, NM_001164319.2); short protein forms A1225T.
Identifiers: ClinVar variation 1313929 (VCV001313929.10), dbSNP rs371610564, ClinGen allele CA2468475.